The following is an entry in ClinVar:

ClinVar aggregate classification (germline): Conflicting classifications of pathogenicity. Review status: criteria provided, conflicting classifications (1 of 4 stars). 2 submissions from 2 submitters: Uncertain significance (1); Likely benign (1). Last evaluated 2026-01-30.

Conditions:
PKD1-related disorder. Also called: PKD1-related condition.
Polycystic kidney disease, adult type (PKD1). Also called: Polycystic Kidney Disease 1, Autosomal Dominant; Polycystic kidney disease 1; Polycystic kidney disease 1, severe; Polycystic Kidney, Autosomal Dominant; POLYCYSTIC KIDNEY DISEASE, ADULT, TYPE I; POLYCYSTIC KIDNEY DISEASE 1 WITH OR WITHOUT POLYCYSTIC LIVER DISEASE. Identifiers: MedGen C3149841, MONDO:0008263, OMIM 173900.

gnomAD v4.1: 9 of 1,514,630 alleles (0.00059%); highest among the groups gnomAD compares: African/African-American, 0.0083%; no homozygotes.

Submissions (2):

PreventionGenetics, part of Exact Sciences
Classification: Likely benign for PKD1-related condition. Last evaluated: 2026-01-30. Review status: criteria provided, single submitter. Criteria: ACMG Guidelines, 2015. Collection method: clinical testing. Allele origin: germline.
Comment: This variant is classified as likely benign based on ACMG/AMP sequence variant interpretation guidelines (Richards et al. 2015 PMID: 25741868, with internal and published modifications).

Fulgent Genetics
Classification: Uncertain significance for Polycystic kidney disease, adult type. Last evaluated: 2024-01-30. Review status: criteria provided, single submitter. Criteria: ACMG Guidelines, 2015. Collection method: clinical testing. Allele origin: germline.

NM_001009944.3(PKD1):c.675G>C (p.Ser225=)

Gene: PKD1 (polycystin 1, transient receptor potential channel interacting; minus strand). Cytogenetic location: 16p13.3.
Variant type: single nucleotide variant.
Coding change: c.675G>C on transcript NM_001009944.3 (MANE Select); coding-DNA position 675, G replaced by C.
Protein change: p.Ser225=; no amino-acid change (serine 225 retained).
Molecular consequence: synonymous variant.
Genome position (GRCh38, 1-based): chr16:2,118,317, C>G on the plus strand (G>C on the coding strand, the complement: PKD1 is on the minus strand). VCF-style: chr16-2118317-C-G. GRCh37 (hg19) VCF-style: chr16-2168318-C-G.
Other names: c.675G>C, p.Ser225= (NM_000296.4).
Identifiers: ClinVar variation 3579820 (VCV003579820.2).